The following is an entry in ClinVar:

ClinVar aggregate classification (germline): Likely benign (1 of 4 stars; one submission).

Conditions:
RASA1-related disorder. Also called: RASA1-related condition.

gnomAD v4.1: 2 of 1,559,092 alleles (0.00013%); highest among the groups gnomAD compares: Non-Finnish European, 0.00017%; no homozygotes.

Submission:

PreventionGenetics, part of Exact Sciences
Classification: Likely benign for RASA1-related condition. Last evaluated: 2026-03-05. Review status: criteria provided, single submitter. Criteria: ACMG Guidelines, 2015. Collection method: clinical testing. Allele origin: germline.
Comment: This variant is classified as likely benign based on ACMG/AMP sequence variant interpretation guidelines (Richards et al. 2015 PMID: 25741868, with internal and published modifications).

NM_002890.3(RASA1):c.45A>T (p.Thr15=)

Gene: RASA1 (RAS p21 protein activator 1; plus strand). Cytogenetic location: 5q14.3.
Variant type: single nucleotide variant.
Coding change: c.45A>T on transcript NM_002890.3 (MANE Select); coding-DNA position 45, A replaced by T.
Protein change: p.Thr15=; no amino-acid change (threonine 15 retained).
Molecular consequence: synonymous variant.
Genome position (GRCh38, 1-based): chr5:87,268,496, A>T. VCF-style: chr5-87268496-A-T. GRCh37 (hg19) VCF-style: chr5-86564313-A-T.
Identifiers: ClinVar variation 4993214 (VCV004993214.1).